The following is an entry in ClinVar:

ClinVar aggregate classification (germline): Conflicting classifications of pathogenicity. Review status: criteria provided, conflicting classifications (1 of 4 stars). 2 submissions from 2 submitters: Uncertain significance (1); Likely benign (1). Last evaluated 2023-03-23.

Conditions:
Hereditary cancer-predisposing syndrome. Also called: Hereditary Cancer Syndrome; Neoplastic Syndromes, Hereditary; Tumor predisposition; Hereditary neoplastic syndrome. Identifiers: Orphanet 140162, MedGen C0027672, MeSH D009386, MONDO:0015356.

Submissions (2):

University of Washington Department of Laboratory Medicine, University of Washington
Classification: Likely benign for Hereditary cancer-predisposing syndrome. Last evaluated: 2023-03-23. Review status: criteria provided, single submitter. Criteria: Dines et al. (Genet Med. 2020). Collection method: curation. Allele origin: germline.
Comment: Missense variant in a coldspot region where missense variants are very unlikely to be pathogenic (PMID:31911673).

BRCA2 exon 11 coldspot. Reclassification based on statistical prior probability.

Ambry Genetics
Classification: Uncertain significance for Hereditary cancer-predisposing syndrome. Last evaluated: 2017-08-10. Review status: criteria provided, single submitter. Criteria: Ambry Variant Classification Scheme 2023. Collection method: clinical testing. Allele origin: germline.
Comment: The p.K1941Q variant (also known as c.5821A>C), located in coding exon 10 of the BRCA2 gene, results from an A to C substitution at nucleotide position 5821. The lysine at codon 1941 is replaced by glutamine, an amino acid with similar properties. This amino acid position is poorly conserved in available vertebrate species. In addition, this alteration is predicted to be tolerated by in silico analysis. Since supporting evidence is limited at this time, the clinical significance of this alteration remains unclear.

NM_000059.4(BRCA2):c.5821A>C (p.Lys1941Gln)

Gene: BRCA2 (BRCA2 DNA repair associated; plus strand). Cytogenetic location: 13q13.1.
Variant type: single nucleotide variant.
Coding change: c.5821A>C on transcript NM_000059.4 (MANE Select); coding-DNA position 5821, A replaced by C.
Protein change: p.Lys1941Gln; replaces lysine 1941 with glutamine.
Molecular consequence: missense variant.
Genome position (GRCh38, 1-based): chr13:32,340,176, A>C. VCF-style: chr13-32340176-A-C. GRCh37 (hg19) VCF-style: chr13-32914313-A-C.
Other names: short protein forms K1941Q.
Identifiers: ClinVar variation 481184 (VCV000481184.8), dbSNP rs1555284411, ClinGen allele CA387787290.